The following is an entry in ClinVar:

ClinVar aggregate classification (germline): Uncertain significance. Review status: criteria provided, multiple submitters, no conflicts (2 of 4 stars). 7 submissions from 7 submitters: Uncertain significance (6). 1 of the submissions does not count toward it. Last evaluated 2025-12-21.

Conditions:
Idiopathic hypereosinophilic syndrome (HES). Identifiers: Orphanet 3260, MedGen C0206141, MONDO:0011895, OMIM 607685. Disease mechanism: gain of function.
Polyps, multiple and recurrent inflammatory fibroid, gastrointestinal. Identifiers: MedGen C5193005, MONDO:0008285, OMIM 175510.
Hereditary cancer-predisposing syndrome. Also called: Tumor predisposition; Neoplastic Syndromes, Hereditary; Hereditary neoplastic syndrome; Hereditary Cancer Syndrome. Identifiers: Orphanet 140162, MedGen C0027672, MeSH D009386, MONDO:0015356.

Allele frequency attached by ClinVar (database versions not stated): ExAC 0.00001; gnomAD exomes 0.00002; gnomAD 0.00004.
gnomAD v4.1: 29 of 1,613,718 alleles (0.0018%); highest among the groups gnomAD compares: Admixed American, 0.012%; no homozygotes.

Submissions (7):

Ambry Genetics
Classification: Uncertain significance for Hereditary cancer-predisposing syndrome. Last evaluated: 2025-12-21. Review status: criteria provided, single submitter. Criteria: Ambry Variant Classification Scheme 2023. Collection method: clinical testing. Allele origin: germline.
Comment: The p.P567L variant (also known as c.1700C>T), located in coding exon 11 of the PDGFRA gene, results from a C to T substitution at nucleotide position 1700. The proline at codon 567 is replaced by leucine, an amino acid with similar properties. This amino acid position is highly conserved in available vertebrate species. In addition, this alteration is predicted to be deleterious by in silico analysis. Since supporting evidence is limited at this time, the clinical significance of this alteration remains unclear.

St. Jude Molecular Pathology, St. Jude Children's Research Hospital
Classification: Uncertain significance for Polyps, multiple and recurrent inflammatory fibroid, gastrointestinal. Last evaluated: 2025-06-17. Review status: criteria provided, single submitter. Criteria: St. Jude Assertion Criteria 2020. Collection method: clinical testing. Allele origin: germline.
Comment: The PDGFRA c.1700C>T p.(Pro567Leu) missense change has a maximum subpopulation frequency of 0.003% in gnomAD v2.1.1. The in silico tool REVEL is inconclusive about a pathogenic or benign effect of this variant on protein function, and to our knowledge functional studies have not been performed. To our knowledge, this variant has not been reported in individuals with PDGFRA-related conditions. In summary, the evidence currently available is insufficient to determine the clinical significance of this variant. It has therefore been classified as of uncertain significance.

Fulgent Genetics
Classification: Uncertain significance for Polyps, multiple and recurrent inflammatory fibroid, gastrointestinal; Idiopathic hypereosinophilic syndrome. Last evaluated: 2024-01-25. Review status: criteria provided, single submitter. Criteria: ACMG Guidelines, 2015. Collection method: clinical testing. Allele origin: germline.

Baylor Genetics
Classification: Uncertain significance for Polyps, multiple and recurrent inflammatory fibroid, gastrointestinal. Last evaluated: 2024-01-22. Review status: criteria provided, single submitter. Criteria: ACMG Guidelines, 2015. Collection method: clinical testing. Allele origin: unknown.

Blueprint Genetics
Classification: Uncertain significance. Last evaluated: 2023-05-24. Review status: criteria provided, single submitter. Criteria: ACMG Guidelines, 2015. Collection method: clinical testing. Allele origin: germline.

GeneDx
Classification: Uncertain significance. Last evaluated: 2023-03-07. Review status: criteria provided, single submitter. Criteria: GeneDx Variant Classification Process June 2021. Collection method: clinical testing. Allele origin: germline. Affected: yes.
Comment: Not observed at significant frequency in large population cohorts (gnomAD); In silico analysis supports that this missense variant does not alter protein structure/function; Observed in an individual with atherosclerosis undergoing whole exome sequencing; however, no cancer history was provided (Johnston et al., 2012); This variant is associated with the following publications: (PMID: 22703879, 28192086)

Biesecker Lab/Clinical Genomics Section, National Institutes of Health
Classification: Uncertain significance. Last evaluated: 2012-07-13. Review status: no assertion criteria provided. Collection method: research. Allele origin: germline. Affected: no. Observed: 1 variant allele. Study: ClinSeq. Not counted in ClinVar's aggregate classification.
ClinVar note: Converted during submission from variant of unknown significance to Uncertain significance.

NM_006206.6(PDGFRA):c.1700C>T (p.Pro567Leu)

Gene: PDGFRA (platelet derived growth factor receptor alpha; plus strand). Cytogenetic location: 4q12.
Variant type: single nucleotide variant.
Coding change: c.1700C>T on transcript NM_006206.6 (MANE Select); coding-DNA position 1700, C replaced by T.
Protein change: p.Pro567Leu; replaces proline 567 with leucine.
Molecular consequence: missense variant.
Genome position (GRCh38, 1-based): chr4:54,274,887, C>T. VCF-style: chr4-54274887-C-T. GRCh37 (hg19) VCF-style: chr4-55141054-C-T.
Other names: c.1700C>T, p.Pro567Leu (NM_001347827.2, NM_001347829.2); c.1775C>T, p.Pro592Leu (NM_001347828.2); c.1739C>T, p.Pro580Leu (NM_001347830.2); short protein forms P567L, P592L, P580L.
Identifiers: ClinVar variation 41795 (VCV000041795.13), dbSNP rs201503614, ClinGen allele CA215861.